The following is an entry in ClinVar:

NM_000277.3(PAH):c.707-2del

Gene: PAH (phenylalanine hydroxylase; minus strand). Cytogenetic location: 12q23.2.
Variant type: Deletion.
Coding change: c.707-2del on transcript NM_000277.3 (MANE Select); the canonical splice acceptor site of the intron before coding-DNA position 707, one base deleted (A; older notation c.707-2delA).
Molecular consequence: splice acceptor variant.
Genome position (GRCh38, 1-based): chr12:102,852,952, T deleted on the plus strand (A on the coding strand, the reverse complement: PAH is on the minus strand). VCF-style (leftmost placement, unchanged base first): chr12-102852951-CT-C. GRCh37 (hg19) VCF-style: chr12-103246729-CT-C.
Other names: c.707-2del (NM_001354304.2).
Identifiers: ClinVar variation 805819 (VCV000805819.1), dbSNP rs1592953143, ClinGen allele CA16020846.

ClinVar aggregate classification (germline): Pathogenic (3 of 4 stars; one submission).

Conditions:
Phenylketonuria (PKU). Also called: FOLLING DISEASE; Phenylketonuria (PKU); OLIGOPHRENIA PHENYLPYRUVICA; Phenylketonurias. Identifiers: Orphanet 716, MedGen C0031485, MONDO:0009861, OMIM 261600. Disease mechanism: loss of function.

Submission:

ClinGen PAH Variant Curation Expert Panel
Classification: Pathogenic for Phenylketonuria. Last evaluated: 2019-07-15. Review status: reviewed by expert panel. Criteria: ClinGen PAH ACMG Specifications v1. Collection method: curation. Allele origin: germline. Inheritance: Autosomal recessive inheritance.
Comment: The c.707-2delA variant in PAH has been reported in one patient, who carried a second pathogenic missense variant (p.Pro281Leu; BH4 deficiency not ruled out) (PMID: 19292873). The pre-treatment serum phenylalanine was reported at > 1500 micromolar. This variant is absent from gnomAD and ESP population databases, and disrupts the canonical splice acceptor site of intron 6, resulting in a frameshift and truncated protein (PMID: 19292873). Overall, the c.707-2delA variant meets criteria to be classified as pathogenic for PAH. PAH-specific ACMG/AMP criteria applied: PM2, PM3, PVS1, PP4.

Literature cited by the submitters: PubMed 19292873.